The following is an entry in ClinVar:

ClinVar aggregate classification (germline): Conflicting classifications of pathogenicity. Review status: criteria provided, conflicting classifications (1 of 4 stars). 3 submissions from 3 submitters: Uncertain significance (2); Likely benign (1). Last evaluated 2024-12-10.

Conditions:
RASopathy. Also called: rasopathies; Noonan spectrum disorder. Identifiers: Orphanet 536391, MedGen C5555857, MONDO:0021060.

Allele frequency attached by ClinVar (database versions not stated): TOPMed below 0.00001; ExAC 0.00001; gnomAD 0.00001; gnomAD exomes 0.00001 and 0.00002; ESP Exome Variant Server 0.00008.
gnomAD v4.1: 14 of 1,614,068 alleles (0.00087%); highest among the groups gnomAD compares: East Asian, 0.0045%; no homozygotes.

Submissions (3):

Labcorp Genetics (formerly Invitae), Labcorp
Classification: Uncertain significance for RASopathy. Last evaluated: 2024-12-10. Review status: criteria provided, single submitter. Criteria: Invitae Variant Classification Sherloc (09022015). Collection method: clinical testing. Allele origin: germline.
Comment: This sequence change replaces lysine, which is basic and polar, with glutamine, which is neutral and polar, at codon 52 of the MAP2K2 protein (p.Lys52Gln). This variant is present in population databases (rs374336702, gnomAD 0.01%). This variant has not been reported in the literature in individuals affected with MAP2K2-related conditions. ClinVar contains an entry for this variant (Variation ID: 1009146). Invitae Evidence Modeling of protein sequence and biophysical properties (such as structural, functional, and spatial information, amino acid conservation, physicochemical variation, residue mobility, and thermodynamic stability) has been performed for this missense variant. However, the output from this modeling did not meet the statistical confidence thresholds required to predict the impact of this variant on MAP2K2 protein function. In summary, the available evidence is currently insufficient to determine the role of this variant in disease. Therefore, it has been classified as a Variant of Uncertain Significance.

Blueprint Genetics
Classification: Uncertain significance. Last evaluated: 2024-08-01. Review status: criteria provided, single submitter. Criteria: ACMG Guidelines, 2015. Collection method: clinical testing. Allele origin: germline.

Women's Health and Genetics/Laboratory Corporation of America, LabCorp
Classification: Likely benign. Last evaluated: 2024-06-10. Review status: criteria provided, single submitter. Criteria: LabCorp Variant Classification Summary - May 2015. Collection method: clinical testing. Allele origin: germline.
Comment: Variant summary: MAP2K2 c.154A>C (p.Lys52Gln) results in a conservative amino acid change in the encoded protein sequence. Three of five in-silico tools predict a damaging effect of the variant on protein function. The variant allele was found at a frequency of 8.7e-06 in 1614068 control chromosomes (gnomAD v4.0.0). The observed variant frequency is approximately 12 fold of the estimated maximal expected allele frequency for a pathogenic variant in MAP2K2 causing Cardiofaciocutaneous Syndrome phenotype (7.5e-07). To our knowledge, no occurrence of c.154A>C in individuals affected with Cardiofaciocutaneous Syndrome and no experimental evidence demonstrating its impact on protein function have been reported. ClinVar contains an entry for this variant (Variation ID: 1009146). Based on the evidence outlined above, the variant was classified as likely benign.

NM_030662.4(MAP2K2):c.154A>C (p.Lys52Gln)

Gene: MAP2K2 (mitogen-activated protein kinase kinase 2; minus strand). Cytogenetic location: 19p13.3.
Variant type: single nucleotide variant.
Coding change: c.154A>C on transcript NM_030662.4 (MANE Select); coding-DNA position 154, A replaced by C.
Protein change: p.Lys52Gln; replaces lysine 52 with glutamine.
Molecular consequence: missense variant.
Genome position (GRCh38, 1-based): chr19:4,117,568, T>G on the plus strand (A>C on the coding strand, the complement: MAP2K2 is on the minus strand). VCF-style: chr19-4117568-T-G. GRCh37 (hg19) VCF-style: chr19-4117566-T-G.
Other names: short protein forms K52Q.
Identifiers: ClinVar variation 1009146 (VCV001009146.10), dbSNP rs374336702, ClinGen allele CA9091085.
Genomic context (GRCh38, chr19:4,117,568, plus strand): 5'-AGTCATCGTCTTTGAGTTCGCCGACCTTGGCTTTCTGGGTGAGAAAGGCTTCCAGCCGCT[T>G]CTTCTGCTGCTCGTCAAGTTCCAGCTCCTCCAGCTTCTTCTGCAGGTCCACCAGGTTTGC-3'
Protein context (NP_109587.1, residues 42-62): EELELDEQQK[Lys52Gln]RLEAFLTQKA